The following is an entry in ClinVar:

NM_001127511.3(APC):c.-74T>G

Gene: APC (APC regulator of Wnt signaling pathway; plus strand). Cytogenetic location: 5q22.2.
Variant type: single nucleotide variant.
Coding change: c.-74T>G on transcript NM_001127511.3; 74 bases upstream of the start codon, T replaced by G.
Molecular consequence: 5 prime UTR variant. On other transcripts: non-coding transcript variant (2).
Genome position (GRCh38, 1-based): chr5:112,707,644, T>G. VCF-style: chr5-112707644-T-G. GRCh37 (hg19) VCF-style: chr5-112043341-T-G.
Other names: c.-257T>G (NM_001354895.2, NM_001407447.1, NM_001407452.1 and 3 more transcripts); c.-74T>G (NM_001354897.2, NM_001354902.2, NM_001407446.1); c.-24T>G (NM_001407448.1, NM_001407450.1, NM_001407457.1 and 1 more transcripts); c.-48T>G (NM_001407453.1); c.-1292T>G (NM_001407470.1, NM_001407472.1).
Identifiers: ClinVar variation 3699644 (VCV003699644.2).

ClinVar aggregate classification (germline): Uncertain significance (1 of 4 stars; one submission).

Conditions:
Familial adenomatous polyposis 1 (FAP1). Also called: FAMILIAL ADENOMATOUS POLYPOSIS 1, ATTENUATED; POLYPOSIS, ADENOMATOUS INTESTINAL. Identifiers: MedGen C2713442, MONDO:0021056, OMIM 175100. Disease mechanism: loss of function.

Submission:

Labcorp Genetics (formerly Invitae), Labcorp
Classification: Uncertain significance for Familial adenomatous polyposis 1. Last evaluated: 2024-11-16. Review status: criteria provided, single submitter. Criteria: Invitae Variant Classification Sherloc (09022015). Collection method: clinical testing. Allele origin: germline.
Comment: This variant occurs in a non-coding region of the APC gene. It does not change the encoded amino acid sequence of the APC protein. This variant is not present in population databases (gnomAD no frequency). This variant has not been reported in the literature in individuals affected with APC-related conditions. Experimental studies and prediction algorithms are not available or were not evaluated, and the functional significance of this variant is currently unknown. In summary, the available evidence is currently insufficient to determine the role of this variant in disease. Therefore, it has been classified as a Variant of Uncertain Significance.